The following is an entry in ClinVar:

ClinVar aggregate classification (germline): Uncertain significance (1 of 4 stars; one submission).

Conditions:
Ehlers-Danlos syndrome, classic type, 1 (EDSCL1). Also called: EHLERS-DANLOS SYNDROME, GRAVIS TYPE; EHLERS-DANLOS SYNDROME, SEVERE CLASSIC TYPE; EDS I; Ehlers-Danlos Syndrome, Classic Type, COL5A1-Related; Ehlers-Danlos syndrome, type 1. Identifiers: MedGen C0268335, MONDO:0019567, OMIM 130000.
Osteogenesis imperfecta type I (OI1). Also called: OI, TYPE I; OSTEOGENESIS IMPERFECTA TARDA; OSTEOGENESIS IMPERFECTA WITH BLUE SCLERAE; Classic Non-deforming Osteogenesis Imperfecta with Blue Sclerae; Lobstein disease; Osteogenesis imperfecta type 1. Identifiers: Orphanet 216796, Orphanet 666, MedGen C0023931, MONDO:0008146, OMIM 166200. Disease mechanism: loss of function.

Submission:

Labcorp Genetics (formerly Invitae), Labcorp
Classification: Uncertain significance for Osteogenesis imperfecta type I; Ehlers-Danlos syndrome, classic type, 1. Last evaluated: 2017-06-26. Review status: criteria provided, single submitter. Criteria: Invitae Variant Classification Sherloc (09022015). Collection method: clinical testing. Allele origin: germline.
Comment: Algorithms developed to predict the effect of missense changes on protein structure and function (SIFT, PolyPhen-2, Align-GVGD) all suggest that this variant is likely to be disruptive, but these predictions have not been confirmed by published functional studies and their clinical significance is uncertain. In summary, this variant has uncertain impact on COL1A2 function. The available evidence is currently insufficient to determine its role in disease. Therefore, it has been classified as a Variant of Uncertain Significance. This variant has been reported in an individual affected with osteogenesis imperfecta (PMID: 26627451). This variant is not present in population databases (ExAC no frequency). This sequence change replaces cysteine with serine at codon 1272 of the COL1A2 protein (p.Cys1272Ser). The cysteine residue is highly conserved and there is a moderate physicochemical difference between cysteine and serine.

Literature cited by the submitters: PubMed 26627451.

NM_000089.4(COL1A2):c.3815G>C (p.Cys1272Ser)

Gene: COL1A2 (collagen type I alpha 2 chain; plus strand). Cytogenetic location: 7q21.3.
Variant type: single nucleotide variant.
Coding change: c.3815G>C on transcript NM_000089.4 (MANE Select); coding-DNA position 3815, G replaced by C.
Protein change: p.Cys1272Ser; replaces cysteine 1272 with serine.
Molecular consequence: missense variant.
Genome position (GRCh38, 1-based): chr7:94,429,291, G>C. VCF-style: chr7-94429291-G-C. GRCh37 (hg19) VCF-style: chr7-94058603-G-C.
Other names: short protein forms C1272S.
Identifiers: ClinVar variation 456835 (VCV000456835.10), dbSNP rs1554398835, ClinGen allele CA368226807.